The following is an entry in ClinVar:

ClinVar aggregate classification (germline): Likely pathogenic (1 of 4 stars; one submission).

Conditions:
Baller-Gerold syndrome (BGS). Also called: CRANIOSYNOSTOSIS WITH RADIAL DEFECTS. Identifiers: Orphanet 1225, MedGen C0265308, MONDO:0009039, OMIM 218600.

Submission:

Labcorp Genetics (formerly Invitae), Labcorp
Classification: Likely pathogenic for Baller-Gerold syndrome. Last evaluated: 2018-12-23. Review status: criteria provided, single submitter. Criteria: Invitae Variant Classification Sherloc (09022015). Collection method: clinical testing. Allele origin: germline.
Comment: This sequence change affects a donor splice site in intron 17 of the RECQL4 gene. It is expected to disrupt RNA splicing and likely results in an absent or disrupted protein product. This variant is not present in population databases (ExAC no frequency). This variant has not been reported in the literature in individuals with RECQL4-related conditions. Donor and acceptor splice site variants typically lead to a loss of protein function (PMID: 16199547), and loss-of-function variants in RECQL4 are known to be pathogenic (PMID: 12734318, 12952869). In summary, the currently available evidence indicates that the variant is pathogenic, but additional data are needed to prove that conclusively. Therefore, this variant has been classified as Likely Pathogenic.

Literature cited by the submitters: PubMed 16199547; PubMed 12734318; PubMed 12952869.

NM_004260.4(RECQL4):c.3055+1del

Gene: RECQL4 (RecQ like helicase 4; minus strand). Cytogenetic location: 8q24.3.
Variant type: Deletion.
Coding change: c.3055+1del on transcript NM_004260.4 (MANE Select); the canonical splice donor site of the intron after coding-DNA position 3055, one base deleted (G; older notation c.3055+1delG).
Molecular consequence: splice donor variant.
Genome position (GRCh38, 1-based): chr8:144,512,391, C deleted on the plus strand (G on the coding strand, the reverse complement: RECQL4 is on the minus strand); the first of 2 consecutive C bases (chr8:144,512,391-144,512,392); deleting either gives the same sequence. VCF-style (leftmost placement, unchanged base first): chr8-144512390-AC-A. GRCh37 (hg19) VCF-style: chr8-145737773-AC-A.
Other names: c.2926+1del (NM_001413025.1); c.2704+1del (NM_001413029.1); c.1918+1del (NM_001413032.1, NM_001413027.1, NM_001413030.1); c.1984+1del (NM_001413035.1, NM_001413040.1, NM_001413021.1 and 4 more transcripts); c.2761+1del (NM_001413017.1); c.2959+1del (NM_001413020.1); c.3025+1del (NM_001413039.1); c.2923+1del (NM_001413033.1); and 9 more.
Identifiers: ClinVar variation 642291 (VCV000642291.6), dbSNP rs1586794620, ClinGen allele CA915947387.